The following is an entry in ClinVar:

NM_004850.5(ROCK2):c.121A>G (p.Ile41Val)

Genes: ROCK2 (Rho associated coiled-coil containing protein kinase 2; minus strand), LOC129933119 (ATAC-STARR-seq lymphoblastoid silent region 11172; plus strand). Cytogenetic location: 2p25.1.
Variant type: single nucleotide variant.
Coding change: c.121A>G on transcript NM_004850.5 (MANE Select); coding-DNA position 121, A replaced by G.
Protein change: p.Ile41Val; replaces isoleucine 41 with valine.
Molecular consequence: missense variant. On other transcripts: intron variant (1).
Genome position (GRCh38, 1-based): chr2:11,344,016, T>C on the plus strand (A>G on the coding strand, the complement: ROCK2 is on the minus strand). VCF-style: chr2-11344016-T-C. GRCh37 (hg19) VCF-style: chr2-11484142-T-C.
Other names: c.-118+1258A>G (NM_001321643.2); short protein forms I41V.
Identifiers: ClinVar variation 3049867 (VCV003049867.2), dbSNP rs199867337, ClinGen allele CA1530689.

ClinVar aggregate classification (germline): Likely benign (0 of 4 stars; one submission).

Conditions:
ROCK2-related disorder. Also called: ROCK2-related condition.

Allele frequency attached by ClinVar (database versions not stated): 1000 Genomes Project 0.00020; 1000 Genomes Project 30x 0.00047; gnomAD 0.00118; TOPMed 0.00121; ESP Exome Variant Server 0.00139; ExAC 0.00151.
gnomAD v4.1: 3,080 of 1,589,442 alleles (0.19%); highest among the groups gnomAD compares: Non-Finnish European, 0.25%; 6 homozygotes.

Submission:

PreventionGenetics, part of Exact Sciences
Classification: Likely benign for ROCK2-related condition. Last evaluated: 2022-09-13. Review status: no assertion criteria provided. Collection method: clinical testing. Allele origin: germline.
Comment: This variant is classified as likely benign based on ACMG/AMP sequence variant interpretation guidelines (Richards et al. 2015 PMID: 25741868, with internal and published modifications).